The following is an entry in ClinVar:

NM_001375883.1(GPR161):c.-17G>A

Gene: GPR161 (G protein-coupled receptor 161; minus strand). Cytogenetic location: 1q24.2.
Variant type: single nucleotide variant.
Coding change: c.-17G>A on transcript NM_001375883.1 (MANE Select); 17 bases upstream of the start codon, G replaced by A.
Molecular consequence: 5 prime UTR variant. On other transcripts: missense variant (2), intron variant (4).
Genome position (GRCh38, 1-based): chr1:168,104,867, C>T on the plus strand (G>A on the coding strand, the complement: GPR161 is on the minus strand). VCF-style: chr1-168104867-C-T. GRCh37 (hg19) VCF-style: chr1-168074105-C-T.
Other names: c.44G>A, p.Arg15His (NM_001267609.1); c.-17G>A (NM_001267610.2, NM_001349632.1, NM_001349633.1 and 5 more transcripts); c.35G>A, p.Arg12His (NM_001267611.1); c.-22-7635G>A (NM_001349635.1, NM_001267612.2); c.33-7635G>A (NM_001267614.1); c.141-7635G>A (NM_001267613.1); short protein forms R15H, R12H.
Identifiers: ClinVar variation 3632839 (VCV003632839.2).

ClinVar aggregate classification (germline): Uncertain significance (1 of 4 stars; one submission).

gnomAD v4.1: 39 of 1,610,810 alleles (0.0024%); highest among the groups gnomAD compares: Admixed American, 0.032%; no homozygotes.

Submission:

Labcorp Genetics (formerly Invitae), Labcorp
Classification: Uncertain significance. Last evaluated: 2024-10-06. Review status: criteria provided, single submitter. Criteria: Invitae Variant Classification Sherloc (09022015). Collection method: clinical testing. Allele origin: germline.
Comment: This sequence change replaces arginine, which is basic and polar, with histidine, which is basic and polar, at codon 15 of the GPR161 protein (p.Arg15His). This variant is present in population databases (rs770472020, gnomAD 0.04%). This variant has not been reported in the literature in individuals affected with GPR161-related conditions. An algorithm developed to predict the effect of missense changes on protein structure and function outputs the following: PolyPhen-2: "Benign". The histidine amino acid residue is found in multiple mammalian species, which suggests that this missense change does not adversely affect protein function. In summary, the available evidence is currently insufficient to determine the role of this variant in disease. Therefore, it has been classified as a Variant of Uncertain Significance.